The following is an entry in ClinVar:

ClinVar aggregate classification (germline): Uncertain significance (1 of 4 stars; one submission).

Allele frequency attached by ClinVar (database versions not stated): ExAC 0.00001; gnomAD exomes 0.00001; TOPMed 0.00001.
gnomAD v4.1: 9 of 1,612,614 alleles (0.00056%); highest among the groups gnomAD compares: East Asian, 0.0045%; no homozygotes.

Submission:

Labcorp Genetics (formerly Invitae), Labcorp
Classification: Uncertain significance. Last evaluated: 2023-12-12. Review status: criteria provided, single submitter. Criteria: Invitae Variant Classification Sherloc (09022015). Collection method: clinical testing. Allele origin: germline.
Comment: This sequence change replaces arginine, which is basic and polar, with cysteine, which is neutral and slightly polar, at codon 423 of the CDK13 protein (p.Arg423Cys). This variant is present in population databases (rs757776422, gnomAD 0.01%). This variant has not been reported in the literature in individuals affected with CDK13-related conditions. Advanced modeling of protein sequence and biophysical properties (such as structural, functional, and spatial information, amino acid conservation, physicochemical variation, residue mobility, and thermodynamic stability) performed at Invitae indicates that this missense variant is expected to disrupt CDK13 protein function with a positive predictive value of 80%. In summary, the available evidence is currently insufficient to determine the role of this variant in disease. Therefore, it has been classified as a Variant of Uncertain Significance.

NM_003718.5(CDK13):c.1267C>T (p.Arg423Cys)

Gene: CDK13 (cyclin dependent kinase 13; plus strand). Cytogenetic location: 7p14.1.
Variant type: single nucleotide variant.
Coding change: c.1267C>T on transcript NM_003718.5 (MANE Select); coding-DNA position 1267, C replaced by T.
Protein change: p.Arg423Cys; replaces arginine 423 with cysteine.
Molecular consequence: missense variant.
Genome position (GRCh38, 1-based): chr7:39,987,654, C>T. VCF-style: chr7-39987654-C-T. GRCh37 (hg19) VCF-style: chr7-40027253-C-T.
Other names: c.1267C>T, p.Arg423Cys (NM_031267.4); short protein forms R423C.
Identifiers: ClinVar variation 2875145 (VCV002875145.1), dbSNP rs757776422, ClinGen allele CA4228463.